The following is an entry in ClinVar:

ClinVar aggregate classification (germline): Pathogenic (1 of 4 stars; one submission).

Conditions:
GLUT1 deficiency syndrome 1, autosomal recessive. Identifiers: MedGen C3149117.

Submission:

Labcorp Genetics (formerly Invitae), Labcorp
Classification: Pathogenic for GLUT1 deficiency syndrome 1, autosomal recessive. Last evaluated: 2024-07-26. Review status: criteria provided, single submitter. Criteria: Invitae Variant Classification Sherloc (09022015). Collection method: clinical testing. Allele origin: germline.
Comment: This sequence change creates a premature translational stop signal (p.Tyr292*) in the SLC2A1 gene. It is expected to result in an absent or disrupted protein product. Loss-of-function variants in SLC2A1 are known to be pathogenic (PMID: 21832227, 26193382). This variant is not present in population databases (gnomAD no frequency). This variant has not been reported in the literature in individuals affected with SLC2A1-related conditions. For these reasons, this variant has been classified as Pathogenic.

Literature cited by the submitters: PubMed 21832227; PubMed 26193382.

NM_006516.4(SLC2A1):c.876T>G (p.Tyr292Ter)

Gene: SLC2A1 (solute carrier family 2 member 1; minus strand). Cytogenetic location: 1p34.2.
Variant type: single nucleotide variant.
Coding change: c.876T>G on transcript NM_006516.4 (MANE Select); coding-DNA position 876, T replaced by G.
Protein change: p.Tyr292Ter; replaces tyrosine 292 with a stop codon.
Molecular consequence: nonsense.
Genome position (GRCh38, 1-based): chr1:42,929,306, A>C on the plus strand (T>G on the coding strand, the complement: SLC2A1 is on the minus strand). VCF-style: chr1-42929306-A-C. GRCh37 (hg19) VCF-style: chr1-43394977-A-C.
Other names: short protein forms Y292*.
Identifiers: ClinVar variation 2710824 (VCV002710824.3), dbSNP rs2524990249, ClinGen allele CA339956937.